The following is an entry in ClinVar:

ClinVar aggregate classification (germline): Uncertain significance (1 of 4 stars; one submission).

Conditions:
Charcot-Marie-Tooth disease, type I (CMT1). Also called: Charcot-Marie-Tooth disease type 1; Charcot-Marie-Tooth, Type 1. Identifiers: Orphanet 65753, MedGen C0751036, MONDO:0019011.

Allele frequency attached by ClinVar (database versions not stated): gnomAD exomes below 0.00001; gnomAD 0.00001.
gnomAD v4.1: 6 of 1,565,944 alleles (0.00038%); highest among the groups gnomAD compares: South Asian, 0.0024%; no homozygotes.

Submission:

Labcorp Genetics (formerly Invitae), Labcorp
Classification: Uncertain significance for Charcot-Marie-Tooth disease, type I. Last evaluated: 2024-03-27. Review status: criteria provided, single submitter. Criteria: Invitae Variant Classification Sherloc (09022015). Collection method: clinical testing. Allele origin: germline.
Comment: This sequence change replaces arginine, which is basic and polar, with tryptophan, which is neutral and slightly polar, at codon 474 of the EGR2 protein (p.Arg474Trp). This variant is not present in population databases (gnomAD no frequency). This variant has not been reported in the literature in individuals affected with EGR2-related conditions. ClinVar contains an entry for this variant (Variation ID: 1036056). Advanced modeling of protein sequence and biophysical properties (such as structural, functional, and spatial information, amino acid conservation, physicochemical variation, residue mobility, and thermodynamic stability) has been performed at Invitae for this missense variant, however the output from this modeling did not meet the statistical confidence thresholds required to predict the impact of this variant on EGR2 protein function. In summary, the available evidence is currently insufficient to determine the role of this variant in disease. Therefore, it has been classified as a Variant of Uncertain Significance.

NM_000399.5(EGR2):c.1420C>T (p.Arg474Trp)

Gene: EGR2 (early growth response 2; minus strand). Cytogenetic location: 10q21.3.
Variant type: single nucleotide variant.
Coding change: c.1420C>T on transcript NM_000399.5 (MANE Select); coding-DNA position 1420, C replaced by T.
Protein change: p.Arg474Trp; replaces arginine 474 with tryptophan.
Molecular consequence: missense variant.
Genome position (GRCh38, 1-based): chr10:62,813,218, G>A on the plus strand (C>T on the coding strand, the complement: EGR2 is on the minus strand). VCF-style: chr10-62813218-G-A. GRCh37 (hg19) VCF-style: chr10-64572978-G-A.
Other names: c.1420C>T, p.Arg474Trp (NM_001136177.3, NM_001136178.2); c.1270C>T, p.Arg424Trp (NM_001136179.3, NM_001321037.2); short protein forms R424W, R474W.
Identifiers: ClinVar variation 1036056 (VCV001036056.8), dbSNP rs757007626, ClinGen allele CA377026831.